The following is an entry in ClinVar:

NM_001171613.2(PREPL):c.1685A>T (p.Lys562Ile)

Gene: PREPL (prolyl endopeptidase like; minus strand). Cytogenetic location: 2p21.
Variant type: single nucleotide variant.
Coding change: c.1685A>T on transcript NM_001171613.2 (MANE Select); coding-DNA position 1685, A replaced by T.
Protein change: p.Lys562Ile; replaces lysine 562 with isoleucine.
Molecular consequence: missense variant.
Genome position (GRCh38, 1-based): chr2:44,322,799, T>A on the plus strand (A>T on the coding strand, the complement: PREPL is on the minus strand). VCF-style: chr2-44322799-T-A. GRCh37 (hg19) VCF-style: chr2-44549938-T-A.
Other names: c.1952A>T, p.Lys651Ile (NM_006036.4, NM_001171603.1, NM_001171606.2 and 2 more transcripts); c.1766A>T, p.Lys589Ile (NM_001042385.2); c.1754A>T, p.Lys585Ile (NM_001042386.2); c.1685A>T, p.Lys562Ile (NM_001171617.1, NM_001374277.1); short protein forms K651I, K585I, K589I, K562I.
Identifiers: ClinVar variation 646329 (VCV000646329.6), dbSNP rs377760743, ClinGen allele CA1640998.
Genomic context (GRCh38, chr2:44,322,799, plus strand): 5'-GTGTCCTTAGCATGCTCCGCGATGGCTTCCTTGAGTTTCTCAGTATAACTTACAATTCCT[T>A]TCAGAGGTACCCGTTCATCGTTTTCATATGCCGTTATGTGAATTGAAGGATAATGCTGAA-3'
Protein context (NP_001165084.1, residues 552-572): AYENDERVPL[Lys562Ile]GIVSYTEKLK

ClinVar aggregate classification (germline): Uncertain significance. Review status: criteria provided, multiple submitters, no conflicts (2 of 4 stars). 2 submissions from 2 submitters: Uncertain significance (2). Last evaluated 2022-05-26.

Conditions:
Inborn genetic diseases. Identifiers: MedGen C0950123, MeSH D030342.
Myasthenic syndrome, congenital, 22 (CMS22). Also called: PREPL DEFICIENCY. Identifiers: MedGen C4479088, MONDO:0044299, OMIM 616224.

Allele frequency attached by ClinVar (database versions not stated): ExAC 0.00001; gnomAD 0.00001; gnomAD exomes 0.00002 and 0.00003; TOPMed 0.00002; ESP Exome Variant Server 0.00008.
gnomAD v4.1: 50 of 1,613,794 alleles (0.0031%); highest among the groups gnomAD compares: Non-Finnish European, 0.0042%; no homozygotes.

Submissions (2):

Ambry Genetics
Classification: Uncertain significance for Inborn genetic diseases. Last evaluated: 2022-05-26. Review status: criteria provided, single submitter. Criteria: Ambry Variant Classification Scheme 2023. Collection method: clinical testing. Allele origin: germline.

Labcorp Genetics (formerly Invitae), Labcorp
Classification: Uncertain significance for Myasthenic syndrome, congenital, 22. Last evaluated: 2022-05-24. Review status: criteria provided, single submitter. Criteria: Invitae Variant Classification Sherloc (09022015). Collection method: clinical testing. Allele origin: germline.
Comment: This sequence change replaces lysine, which is basic and polar, with isoleucine, which is neutral and non-polar, at codon 651 of the PREPL protein (p.Lys651Ile). This variant is present in population databases (rs377760743, gnomAD 0.004%). This variant has not been reported in the literature in individuals affected with PREPL-related conditions. ClinVar contains an entry for this variant (Variation ID: 646329). Algorithms developed to predict the effect of missense changes on protein structure and function are either unavailable or do not agree on the potential impact of this missense change (SIFT: "Deleterious"; PolyPhen-2: "Benign"; Align-GVGD: "Class C0"). In summary, the available evidence is currently insufficient to determine the role of this variant in disease. Therefore, it has been classified as a Variant of Uncertain Significance.